The following is an entry in ClinVar:

NM_000784.4(CYP27A1):c.724A>T (p.Arg242Ter)

Gene: CYP27A1 (cytochrome P450 family 27 subfamily A member 1; plus strand). Cytogenetic location: 2q35.
Variant type: single nucleotide variant.
Coding change: c.724A>T on transcript NM_000784.4 (MANE Select); coding-DNA position 724, A replaced by T.
Protein change: p.Arg242Ter; replaces arginine 242 with a stop codon.
Molecular consequence: nonsense.
Genome position (GRCh38, 1-based): chr2:218,812,629, A>T. VCF-style: chr2-218812629-A-T. GRCh37 (hg19) VCF-style: chr2-219677352-A-T.
Other names: short protein forms R242*.
Identifiers: ClinVar variation 1726947 (VCV001726947.2), dbSNP rs2470226967, ClinGen allele CA350586531.

ClinVar aggregate classification (germline): Likely pathogenic (1 of 4 stars; one submission).

Conditions:
Cholestanol storage disease (CTX). Also called: CEREBRAL CHOLESTERINOSIS; CTX: Cerebrotendinous xanthomatosis; Cerebrotendinous Xanthomatosis. Identifiers: Orphanet 909, MedGen C0238052, MONDO:0008948, OMIM 213700.

Submission:

Myriad Genetics, Inc.
Classification: Likely pathogenic for Cholestanol storage disease. Last evaluated: 2022-01-02. Review status: criteria provided, single submitter. Criteria: Myriad Women's Health Autosomal Recessive and X-Linked Classification Criteria (2021). Collection method: clinical testing. Allele origin: unknown.
Comment: NM_000784.3(CYP27A1):c.724A>T(R242*) is expected to be pathogenic in the context of cerebrotendinous xanthomatosis. This variant is predicted to lead to an abnormal or absent protein product due to the creation of a premature termination codon in CYP27A1, a gene where loss-of-function variants are known to be pathogenic. Please note: this variant was assessed in the context of healthy population screening.